The following is an entry in ClinVar:

ClinVar aggregate classification (germline): Uncertain significance (1 of 4 stars; one submission).

Submission:

Labcorp Genetics (formerly Invitae), Labcorp
Classification: Uncertain significance. Last evaluated: 2024-11-18. Review status: criteria provided, single submitter. Criteria: Invitae Variant Classification Sherloc (09022015). Collection method: clinical testing. Allele origin: germline.
Comment: This sequence change replaces arginine, which is basic and polar, with lysine, which is basic and polar, at codon 14 of the ABL1 protein (p.Arg14Lys). This variant is not present in population databases (gnomAD no frequency). This variant has not been reported in the literature in individuals affected with ABL1-related conditions. Invitae Evidence Modeling of protein sequence and biophysical properties (such as structural, functional, and spatial information, amino acid conservation, physicochemical variation, residue mobility, and thermodynamic stability) indicates that this missense variant is not expected to disrupt ABL1 protein function with a negative predictive value of 95%. In summary, the available evidence is currently insufficient to determine the role of this variant in disease. Therefore, it has been classified as a Variant of Uncertain Significance.

NM_007313.3(ABL1):c.41G>A (p.Arg14Lys)

Genes: ABL1 (ABL proto-oncogene 1, non-receptor tyrosine kinase; plus strand), LOC107980440 (ABL breakpoint recombination region; plus strand). Cytogenetic location: 9q34.12.
Variant type: single nucleotide variant.
Coding change: c.41G>A on transcript NM_007313.3; coding-DNA position 41, G replaced by A.
Protein change: p.Arg14Lys; replaces arginine 14 with lysine.
Molecular consequence: missense variant.
Genome position (GRCh38, 1-based): chr9:130,714,360, G>A. VCF-style: chr9-130714360-G-A. GRCh37 (hg19) VCF-style: chr9-133589747-G-A.
Other names: short protein forms R14K.
Identifiers: ClinVar variation 3635932 (VCV003635932.2).